The following is an entry in ClinVar:

ClinVar aggregate classification (germline): not provided (0 of 4 stars; one submission).

Conditions:
Normal pregnancy. Identifiers: MedGen C0232989.

Submission:

Institute of Molecular and Cell Biology, University of Tartu
No classification provided. Condition: Normal pregnancy. Review status: no classification provided. Collection method: case-control. Allele origin: unknown. Affected: yes. Study: Kasak2014.
Comment: The study aimed to determine the contribution of copy number variants in the genetic etiology of normal and complicated pregnancies. The samples represented (i) maternal blood DNA drawn from healthy pregnant women during 1st or 2nd trimester and (ii) maternal and paternal blood DNA drawn at term pregnancy cases representing normal and complicated gestations (severe preeclampsia, PE; gestational diabetes, GD; small-for-gestational age newborn, SGA; large-for-gestational age newborn, LGA). We performed CNV calling based on genome-wide genotyping dataset (Illumina HumanOmniExpress-24-v1 BeadChip) by applying three algorithms, QuantiSNP, GADA (Genome Alteration Detection Algorithm) and CNstream in parallel. The acquired CNV calls were merged with HD-CNV (Hotspot Detector for Copy Number Variants) program and only the CNVs predicted by at least two programs, were considered in subsequent analysis.

Literature cited by the submitters: PubMed 25666259.

Single allele

Gene: MED13 (mediator complex subunit 13; minus strand). Cytogenetic location: 17q23.2.
Variant type: Deletion.
Identifiers: ClinVar variation 157399 (VCV000157399.2).